The following is an entry in ClinVar:

NM_000260.4(MYO7A):c.3474C>T (p.Ile1158=)

Gene: MYO7A (myosin VIIA; plus strand). Cytogenetic location: 11q13.5.
Variant type: single nucleotide variant.
Coding change: c.3474C>T on transcript NM_000260.4 (MANE Select); coding-DNA position 3474, C replaced by T.
Protein change: p.Ile1158=; no amino-acid change (isoleucine 1158 retained).
Molecular consequence: synonymous variant.
Genome position (GRCh38, 1-based): chr11:77,184,686, C>T. VCF-style: chr11-77184686-C-T. GRCh37 (hg19) VCF-style: chr11-76895731-C-T.
Other names: p.Ile1158Ile; NM_001127179.2:c.3474C>T; c.3474C>T, p.Ile1158= (NM_001127180.2); c.3441C>T, p.Ile1147= (NM_001369365.1).
Identifiers: ClinVar variation 43958 (VCV000043958.25), dbSNP rs201834743, ClinGen allele CA133236.

ClinVar aggregate classification (germline): Conflicting classifications of pathogenicity. Review status: criteria provided, conflicting classifications (1 of 4 stars). 9 submissions from 7 submitters: Uncertain significance (2); Benign (1); Likely benign (4). 2 of the submissions do not count toward it. Last evaluated 2026-01-13.

Conditions:
MYO7A-related disorder. Also called: MYO7A-related disorders.
Autosomal recessive nonsyndromic hearing loss 2. Also called: DEAFNESS, AUTOSOMAL RECESSIVE 2; NEUROSENSORY NONSYNDROMIC RECESSIVE DEAFNESS 2. Identifiers: Orphanet 90636, MedGen C1838701, MONDO:0010807, OMIM 600060.
Usher syndrome type 1 (USH1). Also called: RETINITIS PIGMENTOSA AND CONGENITAL DEAFNESS. Identifiers: Orphanet 231169, Orphanet 886, MedGen C1568247, MONDO:0010168, OMIM 276900.
Autosomal dominant nonsyndromic hearing loss 11. Identifiers: Orphanet 90635, MedGen C1832475, MONDO:0011032, OMIM 601317.

Allele frequency attached by ClinVar (database versions not stated): gnomAD exomes 0.00007 and 0.00017; ExAC 0.00037; 1000 Genomes Project 0.00040; 1000 Genomes Project 30x 0.00062; ESP Exome Variant Server 0.00063; gnomAD 0.00066 and 0.00069; TOPMed 0.00086.
gnomAD v4.1: 200 of 1,599,362 alleles (0.013%); highest among the groups gnomAD compares: African/African-American, 0.24%; 1 homozygote.

Submissions (9):

Labcorp Genetics (formerly Invitae), Labcorp
Classification: Benign. Last evaluated: 2026-01-13. Review status: criteria provided, single submitter. Criteria: Invitae Variant Classification Sherloc (09022015). Collection method: clinical testing. Allele origin: germline.

Blueprint Genetics
Classification: Likely benign. Last evaluated: 2024-08-28. Review status: criteria provided, single submitter. Criteria: ACMG Guidelines, 2015. Collection method: clinical testing. Allele origin: germline.

GeneDx
Classification: Likely benign. Last evaluated: 2018-07-27. Review status: criteria provided, single submitter. Criteria: GeneDx Variant Classification Process June 2021. Collection method: clinical testing. Allele origin: germline. Affected: yes.

Illumina Laboratory Services, Illumina
Classification: Uncertain significance for Autosomal recessive nonsyndromic hearing loss 2. Last evaluated: 2018-01-12. Review status: criteria provided, single submitter. Criteria: ICSL Variant Classification Criteria 13 December 2019. Collection method: clinical testing. Allele origin: germline.

Illumina Laboratory Services, Illumina
Classification: Likely benign for Autosomal dominant nonsyndromic hearing loss 11. Last evaluated: 2018-01-12. Review status: criteria provided, single submitter. Criteria: ICSL Variant Classification Criteria 13 December 2019. Collection method: clinical testing. Allele origin: germline.
Comment: This variant was observed in the ICSL laboratory as part of a predisposition screen in an ostensibly healthy population. It had not been previously curated by ICSL or reported in the Human Gene Mutation Database (HGMD: prior to June 1st, 2018), and was therefore a candidate for classification through an automated scoring system. Utilizing variant allele frequency, disease prevalence and penetrance estimates, and inheritance mode, an automated score was calculated to assess if this variant is too frequent to cause the disease. Based on the score and internal cut-off values, a variant classified as likely benign is not then subjected to further curation. The score for this variant resulted in a classification of likely benign for this disease.

Illumina Laboratory Services, Illumina
Classification: Uncertain significance for Usher syndrome type 1. Last evaluated: 2018-01-12. Review status: criteria provided, single submitter. Criteria: ICSL Variant Classification Criteria 13 December 2019. Collection method: clinical testing. Allele origin: germline.

Laboratory for Molecular Medicine, Mass General Brigham Personalized Medicine
Classification: Likely benign. Last evaluated: 2013-02-19. Review status: criteria provided, single submitter. Criteria: LMM Criteria. Collection method: clinical testing. Allele origin: germline. Observed: 1 variant allele.
Comment: Ile1158Ile in Exon 27A of MYO7A: This variant is not expected to have clinical s ignificance because it does not alter an amino acid residue, is not located with in the splice consensus sequence, and has been identified in 0.2% (8/4240) of Af rican American chromosomes from a broad population by the NHLBI Exome Sequencing Project.

PreventionGenetics, part of Exact Sciences
Classification: Likely benign for MYO7A-related condition. Last evaluated: 2024-09-01. Review status: no assertion criteria provided. Collection method: clinical testing. Allele origin: germline. Not counted in ClinVar's aggregate classification.
Comment: This variant is classified as likely benign based on ACMG/AMP sequence variant interpretation guidelines (Richards et al. 2015 PMID: 25741868, with internal and published modifications).

Counsyl
Classification: Likely benign for Usher syndrome type 1; Autosomal recessive nonsyndromic hearing loss 2. Last evaluated: 2016-12-29. Review status: no assertion criteria provided. Collection method: clinical testing. Allele origin: unknown. Not counted in ClinVar's aggregate classification.